The following is an entry in ClinVar:

ClinVar aggregate classification (germline): Uncertain significance. Review status: criteria provided, multiple submitters, no conflicts (2 of 4 stars). 2 submissions from 2 submitters: Uncertain significance (2). Last evaluated 2022-05-16.

gnomAD v4.1: 1 of 1,609,788 alleles (0.000062%); highest among the groups gnomAD compares: Admixed American, 0.0017%; no homozygotes.

Submissions (2):

GeneDx
Classification: Uncertain significance. Last evaluated: 2022-05-16. Review status: criteria provided, single submitter. Criteria: GeneDx Variant Classification Process June 2021. Collection method: clinical testing. Allele origin: germline. Affected: yes.
Comment: Not observed at significant frequency in large population cohorts (gnomAD); In silico analysis supports that this missense variant does not alter protein structure/function; This variant is associated with the following publications: (PMID: 26969326, 34868251)

Blueprint Genetics
Classification: Uncertain significance. Last evaluated: 2017-11-13. Review status: criteria provided, single submitter. Criteria: ACMG Guidelines, 2015. Collection method: clinical testing. Allele origin: germline.

NM_001039141.3(TRIOBP):c.4691G>C (p.Gly1564Ala)

Gene: TRIOBP (TRIO and F-actin binding protein; plus strand). Cytogenetic location: 22q13.1.
Variant type: single nucleotide variant.
Coding change: c.4691G>C on transcript NM_001039141.3 (MANE Select); coding-DNA position 4691, G replaced by C.
Protein change: p.Gly1564Ala; replaces glycine 1564 with alanine.
Molecular consequence: missense variant.
Genome position (GRCh38, 1-based): chr22:37,735,027, G>C. VCF-style: chr22-37735027-G-C. GRCh37 (hg19) VCF-style: chr22-38131034-G-C.
Other names: short protein forms G1564A.
Identifiers: ClinVar variation 1800515 (VCV001800515.2), dbSNP rs1924603852, ClinGen allele CA411496969.